The following is an entry in ClinVar:

NM_032043.3(BRIP1):c.2474T>C (p.Leu825Ser)

Gene: BRIP1 (BRCA1 interacting DNA helicase 1; minus strand). Cytogenetic location: 17q23.2.
Variant type: single nucleotide variant.
Coding change: c.2474T>C on transcript NM_032043.3 (MANE Select); coding-DNA position 2474, T replaced by C.
Protein change: p.Leu825Ser; replaces leucine 825 with serine.
Molecular consequence: missense variant.
Genome position (GRCh38, 1-based): chr17:61,715,969, A>G on the plus strand (T>C on the coding strand, the complement: BRIP1 is on the minus strand). VCF-style: chr17-61715969-A-G. GRCh37 (hg19) VCF-style: chr17-59793330-A-G.
Other names: short protein forms L825S.
Identifiers: ClinVar variation 4867919 (VCV004867919.1).

ClinVar aggregate classification (germline): Uncertain significance (1 of 4 stars; one submission).

Conditions:
Hereditary cancer-predisposing syndrome. Also called: Neoplastic Syndromes, Hereditary; Tumor predisposition; Hereditary Cancer Syndrome; Hereditary neoplastic syndrome. Identifiers: Orphanet 140162, MedGen C0027672, MeSH D009386, MONDO:0015356.

Submission:

Ambry Genetics
Classification: Uncertain significance for Hereditary cancer-predisposing syndrome. Last evaluated: 2026-04-22. Review status: criteria provided, single submitter. Criteria: Ambry Variant Classification Scheme 2023. Collection method: clinical testing. Allele origin: germline.
Comment: The p.L825S variant (also known as c.2474T>C), located in coding exon 16 of the BRIP1 gene, results from a T to C substitution at nucleotide position 2474. The leucine at codon 825 is replaced by serine, an amino acid with dissimilar properties. This amino acid position is conserved. In addition, this alteration is predicted to be deleterious by in silico analysis. Based on the available evidence, the clinical significance of this variant remains unclear.